The following is an entry in ClinVar:

ClinVar aggregate classification (germline): Uncertain significance. Review status: criteria provided, multiple submitters, no conflicts (2 of 4 stars). 6 submissions from 6 submitters: Uncertain significance (6). Last evaluated 2025-11-05.

Conditions:
Breast-ovarian cancer, familial, susceptibility to, 4. Identifiers: Orphanet 145, MedGen C3280345, MONDO:0013669, OMIM 614291.
Hereditary cancer-predisposing syndrome. Also called: Neoplastic Syndromes, Hereditary; Tumor predisposition; Hereditary Cancer Syndrome; Hereditary neoplastic syndrome. Identifiers: Orphanet 140162, MedGen C0027672, MeSH D009386, MONDO:0015356.

Allele frequency attached by ClinVar (database versions not stated): gnomAD exomes below 0.00001 and 0.00001; gnomAD 0.00001; ExAC 0.00002; TOPMed 0.00003; ESP Exome Variant Server 0.00008.
gnomAD v4.1: 6 of 1,614,064 alleles (0.00037%); highest among the groups gnomAD compares: African/African-American, 0.0053%; no homozygotes.

Submissions (6):

Labcorp Genetics (formerly Invitae), Labcorp
Classification: Uncertain significance for Breast-ovarian cancer, familial, susceptibility to, 4. Last evaluated: 2025-11-05. Review status: criteria provided, single submitter. Criteria: Invitae Variant Classification Sherloc (09022015). Collection method: clinical testing. Allele origin: germline.
Comment: This sequence change replaces glutamic acid, which is acidic and polar, with lysine, which is basic and polar, at codon 73 of the RAD51D protein (p.Glu73Lys). This variant is present in population databases (rs369946779, gnomAD 0.02%). This variant has not been reported in the literature in individuals affected with RAD51D-related conditions. ClinVar contains an entry for this variant (Variation ID: 187455). Invitae Evidence Modeling of protein sequence and biophysical properties (such as structural, functional, and spatial information, amino acid conservation, physicochemical variation, residue mobility, and thermodynamic stability) indicates that this missense variant is not expected to disrupt RAD51D protein function with a negative predictive value of 80%. In summary, the available evidence is currently insufficient to determine the role of this variant in disease. Therefore, it has been classified as a Variant of Uncertain Significance.

Women's Health and Genetics/Laboratory Corporation of America, LabCorp
Classification: Uncertain significance. Last evaluated: 2025-10-27. Review status: criteria provided, single submitter. Criteria: LabCorp Variant Classification Summary - May 2015. Collection method: clinical testing. Allele origin: germline.
Comment: Variant summary: RAD51D c.217G>A (p.Glu73Lys) results in a conservative amino acid change in the encoded protein sequence. Algorithms developed to predict the effect of missense changes on protein structure and function are either unavailable or do not agree on the potential impact of this missense change. The variant allele was found at a frequency of 8e-06 in 251462 control chromosomes (gnomAD). The available data on variant occurrences in the general population are insufficient to allow any conclusion about variant significance. c.217G>A has been observed in individual(s) affected with breast cancer (e.g. Purrington_2020). These report(s) do not provide unequivocal conclusions about association of the variant with Hereditary Breast And Ovarian Cancer Syndrome. A publication reported experimental evidence demonstrating in a mini-gene assay that this variant (c.217G>A) affects an exon-splicing enhancer (ESE) sequence and may slightly increase the amount of the alternatively spliced transcripts (Bueno-Martinez 2021), however these results do not allow convincing conclusions about the variant effect. The following publications have been ascertained in the context of this evaluation (PMID: 32868316, 34200360). ClinVar contains an entry for this variant (Variation ID: 187455). Based on the evidence outlined above, the variant was classified as uncertain significance.

Ambry Genetics
Classification: Uncertain significance for Hereditary cancer-predisposing syndrome. Last evaluated: 2025-05-22. Review status: criteria provided, single submitter. Criteria: Ambry Variant Classification Scheme 2023. Collection method: clinical testing. Allele origin: germline.
Comment: The p.E73K variant (also known as c.217G>A), located in coding exon 3 of the RAD51D gene, results from a G to A substitution at nucleotide position 217. The glutamic acid at codon 73 is replaced by lysine, an amino acid with similar properties. This amino acid position is highly conserved in available vertebrate species. In addition, the in silico prediction for this alteration is inconclusive. Since supporting evidence is limited at this time, the clinical significance of this alteration remains unclear.

GeneDx
Classification: Uncertain significance. Last evaluated: 2024-06-11. Review status: criteria provided, single submitter. Criteria: GeneDx Variant Classification Process June 2021. Collection method: clinical testing. Allele origin: germline. Affected: yes.
Comment: Functional studies suggest this variant may result in slightly increased amount of alternatively spliced transcripts (PMID: 34200360); Not observed at significant frequency in large population cohorts (gnomAD); In silico analysis supports that this missense variant has a deleterious effect on protein structure/function; This variant is associated with the following publications: (PMID: 14704354, 19327148, 34200360)

Color Diagnostics, LLC DBA Color Health
Classification: Uncertain significance for Hereditary cancer-predisposing syndrome. Last evaluated: 2023-11-21. Review status: criteria provided, single submitter. Criteria: ACMG Guidelines, 2015. Collection method: clinical testing. Allele origin: germline.
Comment: This missense variant replaces glutamic acid with lysine at codon 73 of the RAD51D protein. Computational prediction suggests that this variant may not impact protein structure and function. To our knowledge, functional studies have not been reported for this variant. This variant has not been reported in individuals affected with hereditary cancer in the literature. This variant has been identified in 2/251462 chromosomes in the general population by the Genome Aggregation Database (gnomAD). The available evidence is insufficient to determine the role of this variant in disease conclusively. Therefore, this variant is classified as a Variant of Uncertain Significance.

Baylor Genetics
Classification: Uncertain significance for Breast-ovarian cancer, familial, susceptibility to, 4. Last evaluated: 2023-08-24. Review status: criteria provided, single submitter. Criteria: ACMG Guidelines, 2015. Collection method: clinical testing. Allele origin: unknown.

Literature cited by the submitters: PubMed 34200360 (cited by Women's Health and Genetics/Laboratory Corporation of America, LabCorp); PubMed 32868316 (cited by Women's Health and Genetics/Laboratory Corporation of America, LabCorp).

NM_002878.4(RAD51D):c.217G>A (p.Glu73Lys)

Genes: RAD51D (RAD51 paralog D; minus strand), RAD51L3-RFFL (RAD51L3-RFFL readthrough; minus strand). Cytogenetic location: 17q12.
Variant type: single nucleotide variant.
Coding change: c.217G>A on transcript NM_002878.4 (MANE Select); coding-DNA position 217, G replaced by A.
Protein change: p.Glu73Lys; replaces glutamic acid 73 with lysine.
Molecular consequence: missense variant. On other transcripts: intron variant (2).
Genome position (GRCh38, 1-based): chr17:35,118,547, C>T on the plus strand (G>A on the coding strand, the complement: RAD51D is on the minus strand). VCF-style: chr17-35118547-C-T. GRCh37 (hg19) VCF-style: chr17-33445566-C-T.
Other names: c.144+564G>A (NM_133629.3, NM_001142571.2); short protein forms E73K.
Identifiers: ClinVar variation 187455 (VCV000187455.27), dbSNP rs369946779, ClinGen allele CA197691.
Genomic context (GRCh38, chr17:35,118,547, plus strand): 5'-GTACACACACAAACCTGCCAATGCCAGTGGACAGGATGGCAGTGGAGGTCTTCAGTTCCT[C>T]GTAGAGATCAGCGCCATTCACGGGGAAAGCCGAGAACTGAGCCAGCAGCACCCGCCTCAG-3'
Protein context (NP_002869.3, residues 63-83): AFPVNGADLY[Glu73Lys]ELKTSTAILS